The following continues an entry in ClinVar:

NM_000492.4(CFTR):c.1736A>G (p.Asp579Gly)

Gene: CFTR. ClinVar aggregate classification (germline): drug response. drug response (1).

Submissions 11 to 17 of 17:

Women's Health and Genetics/Laboratory Corporation of America, LabCorp
Classification: Pathogenic for Cystic fibrosis. Last evaluated: 2019-11-14. Review status: criteria provided, single submitter. Criteria: LabCorp Variant Classification Summary - May 2015. Collection method: clinical testing. Allele origin: germline. Not counted in ClinVar's aggregate classification.
Comment: Variant summary: CFTR c.1736A>G (p.Asp579Gly) results in a non-conservative amino acid change located in the AAA+ ATPase domain (IPR003593) of the encoded protein sequence. Five of five in-silico tools predict a damaging effect of the variant on protein function. The variant allele was found at a frequency of 4e-06 in 250214 control chromosomes (gnomAD). c.1736A>G has been reported in the literature in compound heterozygous state with another pathogenic variant or in homozygous state in multiple individuals affected with Non-classic Cystic Fibrosis (e.g. Al-Atawi_2015, Brancolini_1995, Picci_1998, Salvatore_2004, Sofia_2018). These data indicate that the variant is very likely to be associated with disease. Experimental evidence evaluating an impact on protein function demonstrated the variant to cause a considerable decrease in chloride conductance and transport (Sosnay_2013, Van Goor_2014). A ClinVar submitter (evaluation after 2014) cites the variant as pathogenic. Based on the evidence outlined above, the variant was classified as pathogenic.

Genome Diagnostics Laboratory, The Hospital for Sick Children
Classification: Pathogenic for Cystic fibrosis. Last evaluated: 2019-06-18. Review status: criteria provided, single submitter. Criteria: ACMG Guidelines, 2015. Collection method: clinical testing. Allele origin: germline. Not counted in ClinVar's aggregate classification.

Mendelics
Classification: Pathogenic for Cystic fibrosis. Last evaluated: 2018-11-05. Review status: criteria provided, single submitter. Criteria: Mendelics Assertion Criteria 2017. Collection method: clinical testing. Allele origin: unknown. Affected: yes. Not counted in ClinVar's aggregate classification.

CFTR-France
Classification: Pathogenic for cystic fibrosis; CFTR-related disorders. Last evaluated: 2015-07-03. Review status: criteria provided, single submitter. Criteria: Claustres M et al. (Hum Mutat 2017). Collection method: curation. Allele origin: germline. Affected: yes. Not counted in ClinVar's aggregate classification.
Comment: when the variant is in trans with another CF-causing variation, can either result in CF or in a CFTR-RD

Baylor Genetics
Classification: Pathogenic for Congenital bilateral aplasia of vas deferens from CFTR mutation; Cystic fibrosis. Review status: criteria provided, single submitter. Criteria: ACMG Guidelines, 2015. Collection method: clinical testing. Allele origin: germline. Not counted in ClinVar's aggregate classification.

Genome Diagnostics Laboratory, The Hospital for Sick Children
Classification: Pathogenic for CFTR-related disorders. Last evaluated: 2019-06-18. Review status: no assertion criteria provided. Collection method: clinical testing. Allele origin: germline. Not counted in ClinVar's aggregate classification.

ClinVar Staff, National Center for Biotechnology Information (NCBI)
No classification provided. Condition: CFTR-related disorders. Review status: no classification provided. Collection method: literature only. Allele origin: germline. Affected: yes. Not counted in ClinVar's aggregate classification.

Literature cited by the submitters: PubMed 23891399 (cited by 4 submitters); PubMed 30134826 (cited by 4 submitters); PubMed 10094564 (cited by 3 submitters); PubMed 12133923 (cited by Ambry Genetics and Quest Diagnostics Nichols Institute San Juan Capistrano); PubMed 15463898 (cited by 5 submitters); PubMed 15638824 (cited by Ambry Genetics and Quest Diagnostics Nichols Institute San Juan Capistrano); PubMed 22658665 (cited by Ambry Genetics); PubMed 23974870 (cited by Ambry Genetics and Women's Health and Genetics/Laboratory Corporation of America, LabCorp); PubMed 25304080 (cited by Ambry Genetics); PubMed 25826586 (cited by Ambry Genetics); PubMed 26494713 (cited by 4 submitters); PubMed 27738188 (cited by 3 submitters); PubMed 28546993 (cited by Ambry Genetics and Quest Diagnostics Nichols Institute San Juan Capistrano); PubMed 31029283 (cited by Ambry Genetics); PubMed 31328366 (cited by Ambry Genetics); PubMed 7544319 (cited by 4 submitters); PubMed 20059485 (cited by Quest Diagnostics Nichols Institute San Juan Capistrano and ClinVar Staff, National Center for Biotechnology Information (NCBI)); PubMed 12167682 (cited by Quest Diagnostics Nichols Institute San Juan Capistrano and Women's Health and Genetics/Laboratory Corporation of America, LabCorp); PubMed 27812499 (cited by Quest Diagnostics Nichols Institute San Juan Capistrano and Labcorp Genetics (formerly Invitae), Labcorp); PubMed 15509635 (cited by Women's Health and Genetics/Laboratory Corporation of America, LabCorp).